The following is an entry in ClinVar:

NM_002692.4(POLE2):c.727C>T (p.Pro243Ser)

Gene: POLE2 (DNA polymerase epsilon 2, accessory subunit; minus strand). Cytogenetic location: 14q21.3.
Variant type: single nucleotide variant.
Coding change: c.727C>T on transcript NM_002692.4 (MANE Select); coding-DNA position 727, C replaced by T.
Protein change: p.Pro243Ser; replaces proline 243 with serine.
Molecular consequence: missense variant.
Genome position (GRCh38, 1-based): chr14:49,663,343, G>A on the plus strand (C>T on the coding strand, the complement: POLE2 is on the minus strand). VCF-style: chr14-49663343-G-A. GRCh37 (hg19) VCF-style: chr14-50130061-G-A.
Other names: c.649C>T, p.Pro217Ser (NM_001197330.2); c.727C>T, p.Pro243Ser (NM_001197331.3, NM_001348384.2); c.496C>T, p.Pro166Ser (NM_001348385.2); short protein forms P166S, P217S, P243S.
Identifiers: ClinVar variation 1984832 (VCV001984832.4), dbSNP rs2502863419, ClinGen allele CA389606245.

ClinVar aggregate classification (germline): Uncertain significance (1 of 4 stars; one submission).

Allele frequency attached by ClinVar (database versions not stated): gnomAD exomes below 0.00001.

Submission:

Labcorp Genetics (formerly Invitae), Labcorp
Classification: Uncertain significance. Last evaluated: 2024-06-10. Review status: criteria provided, single submitter. Criteria: Invitae Variant Classification Sherloc (09022015). Collection method: clinical testing. Allele origin: germline.
Comment: This sequence change replaces proline, which is neutral and non-polar, with serine, which is neutral and polar, at codon 243 of the POLE2 protein (p.Pro243Ser). This variant is not present in population databases (gnomAD no frequency). This variant has not been reported in the literature in individuals affected with POLE2-related conditions. ClinVar contains an entry for this variant (Variation ID: 1984832). An algorithm developed to predict the effect of missense changes on protein structure and function (PolyPhen-2) suggests that this variant is likely to be disruptive. In summary, the available evidence is currently insufficient to determine the role of this variant in disease. Therefore, it has been classified as a Variant of Uncertain Significance.